The following is an entry in ClinVar:

ClinVar aggregate classification (germline): Conflicting classifications of pathogenicity. Review status: criteria provided, conflicting classifications (1 of 4 stars). 8 submissions from 8 submitters: Uncertain significance (6); Likely benign (2). Last evaluated 2026-06-03.

Conditions:
MASS syndrome (OCTD). Also called: OVERLAP CONNECTIVE TISSUE DISEASE; MASS PHENOTYPE. Identifiers: MedGen C1858556, MONDO:0011431, OMIM 604308.
Progeroid and marfanoid aspect-lipodystrophy syndrome. Also called: MARFANOID-PROGEROID SYNDROME; MARFAN-PROGEROID-LIPODYSTROPHY SYNDROME; Marfan lipodystrophy syndrome; MARFANOID-PROGEROID-LIPODYSTROPHY SYNDROME. Identifiers: Orphanet 300382, MedGen C4310796, MONDO:0014831, OMIM 616914.
Ectopia lentis 1, isolated, autosomal dominant (ECTOL1). Identifiers: Orphanet 1885, MedGen C3541518, MONDO:0007514, OMIM 129600.
Weill-Marchesani syndrome 2, dominant. Also called: Weill-Marchesani Syndrome, Autosomal Dominant; FBN1-Related Weill-Marchesani Syndrome. Identifiers: Orphanet 2084, MedGen C1869115, MONDO:0012013, OMIM 608328.
Acromicric dysplasia (ACMICD). Also called: Acromicric skeletal dysplasia. Identifiers: Orphanet 969, MedGen C0265287, MONDO:0007055, OMIM 102370.
Geleophysic dysplasia 2 (GPHYSD2). Identifiers: Orphanet 2623, MedGen C3280054, MONDO:0013612, OMIM 614185.
Stiff skin syndrome (SSKS). Identifiers: Orphanet 2833, MedGen C1861456, MONDO:0008492, OMIM 184900.
Marfan syndrome (MFS). Also called: Marfan syndrome type 1; Marfan syndrome, classic; Marfan's syndrome; FBN1-Related Marfan Syndrome; MARFAN SYNDROME, TYPE I. Identifiers: Orphanet 284963, Orphanet 558, MedGen C0024796, MONDO:0007947, OMIM 154700.
Familial thoracic aortic aneurysm and aortic dissection (TAAD). Also called: Thoracic aortic aneurysms and dissections. Identifiers: Orphanet 91387, MedGen C4707243, MONDO:0019625.
Connective tissue disorder. Also called: Connective tissue disease. Identifiers: MedGen C0009782, MONDO:0003900.

Allele frequency attached by ClinVar (database versions not stated): TOPMed 0.00003; gnomAD 0.00002.
gnomAD v4.1: 23 of 1,614,032 alleles (0.0014%); highest among the groups gnomAD compares: African/African-American, 0.008%; no homozygotes.

Submissions (8):

Women's Health and Genetics/Laboratory Corporation of America, LabCorp
Classification: Likely benign. Last evaluated: 2026-06-03. Review status: criteria provided, single submitter. Criteria: LabCorp Variant Classification Summary - May 2015. Collection method: clinical testing. Allele origin: germline.
Comment: Variant summary: FBN1 c.3410G>A (p.Arg1137His) results in a non-conservative amino acid change located in the EGF-like calcium-binding domain (IPR001881) of the encoded protein sequence. Algorithms developed to predict the effect of missense changes on protein structure and function all suggest that this variant is likely to be disruptive. The variant allele was found at a frequency of 1.4e-05 in 1614032 control chromosomes, predominantly at a frequency of 8e-05 within the African or African-American subpopulation in the gnomAD database. c.3410G>A has been reported in the literature in cis with another FBN1 variant (p.C2528Y, probably Likely Pathogenic) in an individual affected with Marfan Syndrome (Li_2019). Furthermore, c.3410G>A has been reported in a proband with systemic sclerosis but it was also found in the probands unaffected sibling and daughter (Tan_2001). These reports do not provide unequivocal conclusions about association of the variant with Marfan Syndrome. To our knowledge, no experimental evidence demonstrating an impact on protein function has been reported. The following publications have been ascertained in the context of this evaluation (PMID: 31098894, 11315929). ClinVar contains an entry for this variant (Variation ID: 547308). Based on the evidence outlined above, the variant was classified as likely benign.

Labcorp Genetics (formerly Invitae), Labcorp
Classification: Likely benign for Marfan syndrome; Familial thoracic aortic aneurysm and aortic dissection. Last evaluated: 2025-03-06. Review status: criteria provided, single submitter. Criteria: Invitae Variant Classification Sherloc (09022015). Collection method: clinical testing. Allele origin: germline.

Dasa
Classification: Uncertain significance. Last evaluated: 2025-01-17. Review status: criteria provided, single submitter. Criteria: DASA Assertion Criteria. Collection method: clinical testing. Allele origin: germline.
Comment: NM_000138.5(FBN1):c.3410G>A (p.Arg1137His) is a missense variant that results in the substitution of arginine with histidine. This variant is rare in population databases. The currently available literature and clinical evidence are not sufficient to establish a definitive association between this variant and the reported condition. Therefore, this variant is classified as a variant of uncertain significance.

GeneDx
Classification: Uncertain significance. Last evaluated: 2024-06-24. Review status: criteria provided, single submitter. Criteria: GeneDx Variant Classification Process June 2021. Collection method: clinical testing. Allele origin: germline. Affected: yes.
Comment: Identified in association with aortic aneurysm/dissection in published literature (PMID: 31098894); In silico analysis indicates that this missense variant does not alter protein structure/function; Does not affect a cysteine or calcium-binding residue within an EGF-like domain or a TGF-binding protein domain of the FBN1 gene; cysteine substitutions in the EGF-like domains represent the majority of pathogenic missense changes associated with FBN1-related disorders (PMID: 12938084); This variant is associated with the following publications: (PMID: 12938084, 31098894)

All of Us Research Program, National Institutes of Health
Classification: Uncertain significance for Marfan syndrome. Last evaluated: 2024-05-14. Review status: criteria provided, single submitter. Criteria: ACMG Guidelines, 2015. Collection method: clinical testing. Allele origin: germline. Inheritance: Autosomal dominant inheritance. Observed: 2 variant alleles, 2 heterozygotes.
Comment: This missense variant replaces arginine with histidine at codon 1137 of the FBN1 protein. Computational prediction is inconclusive regarding the impact of this variant on protein structure and function (internally defined REVEL score threshold 0.5 < inconclusive < 0.7, PMID: 27666373). To our knowledge, functional studies have not been reported for this variant. This variant has been reported in an individual affected with Marfan syndrome, who also carried a pathogenic variant in the same gene that could explain the observed phenotype (PMID: 31098894). This variant has been identified in 12/282874 chromosomes in the general population by the Genome Aggregation Database (gnomAD). The available evidence is insufficient to determine the role of this variant in disease conclusively. Therefore, this variant is classified as a Variant of Uncertain Significance.

This study involves interpretation of variants in research participants for the purpose of population health screening. Participant phenotype was not available at the time of variant classification. Additional details can be found in publication PMID: 35346344, PMCID: PMC8962531

Color Diagnostics, LLC DBA Color Health
Classification: Uncertain significance for Familial thoracic aortic aneurysm and aortic dissection. Last evaluated: 2024-02-16. Review status: criteria provided, single submitter. Criteria: ACMG Guidelines, 2015. Collection method: clinical testing. Allele origin: germline.
Comment: This missense variant replaces arginine with histidine at codon 1137 of the FBN1 protein. Computational prediction is inconclusive regarding the impact of this variant on protein structure and function (internally defined REVEL score threshold 0.5 < inconclusive < 0.7, PMID: 27666373). To our knowledge, functional studies have not been reported for this variant. This variant has been reported in an individual affected with Marfan syndrome, who also carried a pathogenic variant in the same gene that could explain the observed phenotype (PMID: 31098894). This variant has been identified in 12/282874 chromosomes in the general population by the Genome Aggregation Database (gnomAD). The available evidence is insufficient to determine the role of this variant in disease conclusively. Therefore, this variant is classified as a Variant of Uncertain Significance.

Fulgent Genetics
Classification: Uncertain significance for Acromicric dysplasia; Ectopia lentis 1, isolated, autosomal dominant; Marfan syndrome; Stiff skin syndrome; MASS syndrome; Weill-Marchesani syndrome 2, dominant; Geleophysic dysplasia 2; Progeroid and marfanoid aspect-lipodystrophy syndrome. Last evaluated: 2021-07-02. Review status: criteria provided, single submitter. Criteria: ACMG Guidelines, 2015. Collection method: clinical testing. Allele origin: unknown.

Center for Human Genetics, Inc
Classification: Uncertain significance for Connective tissue disorder. Last evaluated: 2016-11-01. Review status: criteria provided, single submitter. Criteria: ACMG Guidelines, 2015. Collection method: clinical testing. Allele origin: germline. Affected: yes.

Literature cited by the submitters: PubMed 11315929 (cited by Women's Health and Genetics/Laboratory Corporation of America, LabCorp); PubMed 31098894 (cited by 3 submitters).

NM_000138.5(FBN1):c.3410G>A (p.Arg1137His)

Gene: FBN1 (fibrillin 1; minus strand). Cytogenetic location: 15q21.1.
Variant type: single nucleotide variant.
Coding change: c.3410G>A on transcript NM_000138.5 (MANE Select); coding-DNA position 3410, G replaced by A.
Protein change: p.Arg1137His; replaces arginine 1137 with histidine.
Molecular consequence: missense variant.
Genome position (GRCh38, 1-based): chr15:48,487,365, C>T on the plus strand (G>A on the coding strand, the complement: FBN1 is on the minus strand). VCF-style: chr15-48487365-C-T. GRCh37 (hg19) VCF-style: chr15-48779562-C-T.
Other names: short protein forms R1137H.
Identifiers: ClinVar variation 547308 (VCV000547308.23), dbSNP rs137854456, ClinGen allele CA050530.